The following is an entry in ClinVar:

ClinVar aggregate classification (germline): Uncertain significance. Review status: criteria provided, multiple submitters, no conflicts (2 of 4 stars). 4 submissions from 4 submitters: Uncertain significance (4). Last evaluated 2024-07-31.

Conditions:
Hereditary cancer-predisposing syndrome. Also called: Neoplastic Syndromes, Hereditary; Hereditary neoplastic syndrome; Tumor predisposition; Hereditary Cancer Syndrome. Identifiers: Orphanet 140162, MedGen C0027672, MeSH D009386, MONDO:0015356.
Renal cell carcinoma. Identifiers: Orphanet 217071, MedGen C0007134, MeSH D002292, MONDO:0005086, HP:0005584.

Allele frequency attached by ClinVar (database versions not stated): TOPMed 0.00001.

Submissions (4):

Ambry Genetics
Classification: Uncertain significance for Hereditary cancer-predisposing syndrome. Last evaluated: 2024-07-31. Review status: criteria provided, single submitter. Criteria: Ambry Variant Classification Scheme 2023. Collection method: clinical testing. Allele origin: germline.
Comment: The p.K783E variant (also known as c.2347A>G), located in coding exon 9 of the MET gene, results from an A to G substitution at nucleotide position 2347. The lysine at codon 783 is replaced by glutamic acid, an amino acid with similar properties. This amino acid position is conserved. In addition, the in silico prediction for this alteration is inconclusive. Based on the available evidence, the clinical significance of this variant remains unclear.

GeneDx
Classification: Uncertain significance. Last evaluated: 2023-07-27. Review status: criteria provided, single submitter. Criteria: GeneDx Variant Classification Process June 2021. Collection method: clinical testing. Allele origin: germline. Affected: yes.
Comment: Not observed at significant frequency in large population cohorts (gnomAD); In silico analysis supports that this missense variant does not alter protein structure/function; Has not been previously published as pathogenic or benign to our knowledge

Sema4
Classification: Uncertain significance for Hereditary cancer-predisposing syndrome. Last evaluated: 2021-05-17. Review status: criteria provided, single submitter. Criteria: Sema4 Curation Guidelines. Collection method: curation. Allele origin: germline.
Comment: The MET c.2347A>G (p.K783E) variant has not been reported in the literature to our knowledge. It was not observed in the Genome Aggregation Database (PMID: 32461654). The variant has been reported in ClinVar (Variation ID 524858). In silico tools suggest the impact of the variant on protein function is inconclusive, though these predictions have not been confirmed by functional studies. The evidence is insufficient to meet ACMG/AMP criteria for classifying the variant as benign or pathogenic. Thus, the clinical significance of this variant is currently uncertain.

Labcorp Genetics (formerly Invitae), Labcorp
Classification: Uncertain significance for Renal cell carcinoma. Last evaluated: 2017-09-16. Review status: criteria provided, single submitter. Criteria: Invitae Variant Classification Sherloc (09022015). Collection method: clinical testing. Allele origin: germline.
Comment: In summary, the available evidence is currently insufficient to determine the role of this variant in disease. Therefore, it has been classified as a Variant of Uncertain Significance. This sequence change replaces lysine with glutamic acid at codon 783 of the MET protein (p.Lys783Glu). The lysine residue is moderately conserved and there is a small physicochemical difference between lysine and glutamic acid. This variant is not present in population databases (ExAC no frequency). This variant has not been reported in the literature in individuals with MET-related disease. Algorithms developed to predict the effect of missense changes on protein structure and function (SIFT, PolyPhen-2, Align-GVGD) all suggest that this variant is likely to be tolerated, but these predictions have not been confirmed by published functional studies and their clinical significance is uncertain.

NM_000245.4(MET):c.2293A>G (p.Lys765Glu)

Gene: MET (MET proto-oncogene, receptor tyrosine kinase; plus strand). Cytogenetic location: 7q31.2.
Variant type: single nucleotide variant.
Coding change: c.2293A>G on transcript NM_000245.4 (MANE Select); coding-DNA position 2293, A replaced by G.
Protein change: p.Lys765Glu; replaces lysine 765 with glutamic acid.
Molecular consequence: missense variant.
Genome position (GRCh38, 1-based): chr7:116,759,419, A>G. VCF-style: chr7-116759419-A-G. GRCh37 (hg19) VCF-style: chr7-116399473-A-G.
Other names: c.2347A>G, p.Lys783Glu (NM_001127500.3); c.2293A>G, p.Lys765Glu (NM_001324401.3); c.1003A>G, p.Lys335Glu (NM_001324402.2); short protein forms K783E, K335E, K765E.
Identifiers: ClinVar variation 524858 (VCV000524858.12), dbSNP rs1554395889, ClinGen allele CA368982069.
Genomic context (GRCh38, chr7:116,759,419, plus strand): 5'-AACATTGTCAGTTTTCTATTTTGCTTTGCCAGTGGTGGGAGCACAATAACAGGTGTTGGG[A>G]AAAACCTGAATTCAGTTAGTGTCCCGAGAATGGTCATAAATGTGCATGAAGCAGGAAGGA-3'
Protein context (NP_000236.2, residues 755-775): SGGSTITGVG[Lys765Glu]NLNSVSVPRM